The following is an entry in ClinVar:

NM_206933.4(USH2A):c.1659del (p.Leu553fs)

Gene: USH2A (usherin; minus strand). Cytogenetic location: 1q41.
Variant type: Deletion.
Coding change: c.1659del on transcript NM_206933.4 (MANE Select); coding-DNA position 1659, one base deleted (G; older notation c.1659delG).
Protein change: p.Leu553fs; shifts the reading frame from leucine 553.
Molecular consequence: frameshift variant.
Genome position (GRCh38, 1-based): chr1:216,292,356, C deleted on the plus strand (G on the coding strand, the reverse complement: USH2A is on the minus strand). VCF-style (leftmost placement, unchanged base first): chr1-216292355-GC-G. GRCh37 (hg19) VCF-style: chr1-216465697-GC-G.
Other names: c.1659del, p.Leu553fs (NM_007123.6); short protein forms L553fs.
Identifiers: ClinVar variation 1725283 (VCV001725283.2), dbSNP rs2528257059, ClinGen allele CA2580062166.

ClinVar aggregate classification (germline): Likely pathogenic (1 of 4 stars; one submission).

Conditions:
Usher syndrome type 2A. Also called: RETINAL DISEASE IN USHER SYNDROME TYPE IIA, MODIFIER OF; USHER SYNDROME, TYPE IIA. Identifiers: Orphanet 231178, Orphanet 886, MedGen C1848634, MONDO:0010169, OMIM 276901.

Submission:

Myriad Genetics, Inc.
Classification: Likely pathogenic for Usher syndrome type 2A. Last evaluated: 2022-03-15. Review status: criteria provided, single submitter. Criteria: Myriad Women's Health Autosomal Recessive and X-Linked Classification Criteria (2021). Collection method: clinical testing. Allele origin: unknown.
Comment: NM_206933.2(USH2A):c.1659delG(L553Ffs*38) is expected to be pathogenic in the context of USH2A-related disorders. This variant is predicted to lead to an abnormal or absent protein product due to the creation of a premature termination codon in USH2A, a gene where loss-of-function variants are known to be pathogenic. Please note: this variant was assessed in the context of healthy population screening.